The following is an entry in ClinVar:

ClinVar aggregate classification (germline): Uncertain significance (1 of 4 stars; one submission).

Conditions:
Arrhythmogenic right ventricular cardiomyopathy (ARVD). Also called: Arrhythmogenic right ventricular dysplasia; Cardiomyopathy, ARVC; Arrhythmogenic cardiomyopathy; Arrhythmogenic Right Ventricular Cardiomyopathy (ARVC). Identifiers: Orphanet 247, MedGen C0349788, MeSH D019571, MONDO:0016587. Disease mechanism: loss of function. Inheritance: Various modes of inheritance.

Allele frequency attached by ClinVar (database versions not stated): ExAC 0.00001.
gnomAD v4.1: 1 of 1,613,354 alleles (0.000062%); highest among the groups gnomAD compares: East Asian, 0.0022%; no homozygotes.

Submission:

All of Us Research Program, National Institutes of Health
Classification: Uncertain significance for Arrhythmogenic right ventricular cardiomyopathy. Last evaluated: 2023-11-20. Review status: criteria provided, single submitter. Criteria: ACMG Guidelines, 2015. Collection method: clinical testing. Allele origin: germline. Inheritance: Autosomal dominant inheritance. Observed: 1 variant allele, 1 heterozygote.
Comment: This missense variant replaces alanine with aspartic acid at codon 206 of the DSG2 protein. Computational prediction suggests that this variant may not impact protein structure and function (internally defined REVEL score threshold <= 0.5, PMID: 27666373). To our knowledge, functional studies have not been reported for this variant. This variant has not been reported in individuals affected with DSG2-related disorders in the literature. This variant has not been identified in the general population by the Genome Aggregation Database (gnomAD). The available evidence is insufficient to determine the role of this variant in disease conclusively. Therefore, this variant is classified as a Variant of Uncertain Significance.

This study involves interpretation of variants in research participants for the purpose of population health screening. Participant phenotype was not available at the time of variant classification. Additional details can be found in publication PMID: 35346344, PMCID: PMC8962531

NM_001943.5(DSG2):c.617C>A (p.Ala206Asp)

Gene: DSG2 (desmoglein 2; plus strand). Cytogenetic location: 18q12.1.
Variant type: single nucleotide variant.
Coding change: c.617C>A on transcript NM_001943.5 (MANE Select); coding-DNA position 617, C replaced by A.
Protein change: p.Ala206Asp; replaces alanine 206 with aspartic acid.
Molecular consequence: missense variant.
Genome position (GRCh38, 1-based): chr18:31,522,176, C>A. VCF-style: chr18-31522176-C-A. GRCh37 (hg19) VCF-style: chr18-29102139-C-A.
Other names: short protein forms A206D.
Identifiers: ClinVar variation 3074655 (VCV003074655.1), dbSNP rs766519225, ClinGen allele CA049550.
Genomic context (GRCh38, chr18:31,522,176, plus strand): 5'-CAGATGAGCCCAATACCCTGAATTCGAAAATTTCCTATAGAATCGTATCTCTGGAGCCTG[C>A]TTATCCTCCAGTGTTCTACCTAAATAAAGATACAGGAGAGATTTATACAACCAGTGTTAC-3'
Protein context (NP_001934.2, residues 196-216): ISYRIVSLEP[Ala206Asp]YPPVFYLNKD